The following is an entry in ClinVar:

NM_032043.3(BRIP1):c.1184C>T (p.Ala395Val)

Gene: BRIP1 (BRCA1 interacting DNA helicase 1; minus strand). Cytogenetic location: 17q23.2.
Variant type: single nucleotide variant.
Coding change: c.1184C>T on transcript NM_032043.3 (MANE Select); coding-DNA position 1184, C replaced by T.
Protein change: p.Ala395Val; replaces alanine 395 with valine.
Molecular consequence: missense variant.
Genome position (GRCh38, 1-based): chr17:61,799,256, G>A on the plus strand (C>T on the coding strand, the complement: BRIP1 is on the minus strand). VCF-style: chr17-61799256-G-A. GRCh37 (hg19) VCF-style: chr17-59876617-G-A.
Other names: short protein forms A395V.
Identifiers: ClinVar variation 461064 (VCV000461064.18), dbSNP rs778992385, ClinGen allele CA400483738.

ClinVar aggregate classification (germline): Uncertain significance. Review status: criteria provided, multiple submitters, no conflicts (2 of 4 stars). 3 submissions from 3 submitters: Uncertain significance (3). Last evaluated 2024-05-24.

Conditions:
Hereditary cancer-predisposing syndrome. Also called: Hereditary neoplastic syndrome; Neoplastic Syndromes, Hereditary; Tumor predisposition; Hereditary Cancer Syndrome. Identifiers: Orphanet 140162, MedGen C0027672, MeSH D009386, MONDO:0015356.
Fanconi anemia complementation group J. Also called: BRIP1-Related Fanconi Anemia. Identifiers: Orphanet 84, MedGen C1836860, MONDO:0012187, OMIM 609054.
Familial cancer of breast. Also called: BREAST CANCER, FAMILIAL; hereditary breast carcinoma; Hereditary breast cancer. Identifiers: Orphanet 227535, MedGen C0346153, MONDO:0016419, OMIM 114480. Disease mechanism: loss of function.

Submissions (3):

Ambry Genetics
Classification: Uncertain significance for Hereditary cancer-predisposing syndrome. Last evaluated: 2024-05-24. Review status: criteria provided, single submitter. Criteria: Ambry Variant Classification Scheme 2023. Collection method: clinical testing. Allele origin: germline.
Comment: The p.A395V variant (also known as c.1184C>T), located in coding exon 8 of the BRIP1 gene, results from a C to T substitution at nucleotide position 1184. The alanine at codon 395 is replaced by valine, an amino acid with similar properties. This amino acid position is highly conserved in available vertebrate species. This alteration was identified in 1/6341 breast cancer patients, 0/706 ovarian cancer patients, and 1/2189 matched controls (Weber-Lassalle N et al. Breast Cancer Res., 2018 Jan;20:7). In addition, this alteration is predicted to be deleterious by in silico analysis. Since supporting evidence is limited at this time, the clinical significance of this alteration remains unclear.

Labcorp Genetics (formerly Invitae), Labcorp
Classification: Uncertain significance for Familial cancer of breast; Fanconi anemia complementation group J. Last evaluated: 2022-05-08. Review status: criteria provided, single submitter. Criteria: Invitae Variant Classification Sherloc (09022015). Collection method: clinical testing. Allele origin: germline.
Comment: In summary, the available evidence is currently insufficient to determine the role of this variant in disease. Therefore, it has been classified as a Variant of Uncertain Significance. Algorithms developed to predict the effect of missense changes on protein structure and function (SIFT, PolyPhen-2, Align-GVGD) all suggest that this variant is likely to be disruptive. ClinVar contains an entry for this variant (Variation ID: 461064). This variant has not been reported in the literature in individuals affected with BRIP1-related conditions. This variant is not present in population databases (gnomAD no frequency). This sequence change replaces alanine, which is neutral and non-polar, with valine, which is neutral and non-polar, at codon 395 of the BRIP1 protein (p.Ala395Val).

Institute of Human Genetics, University of Leipzig Medical Center
Classification: Uncertain significance for Familial cancer of breast. Last evaluated: 2019-01-01. Review status: criteria provided, single submitter. Criteria: ACMG Guidelines, 2015. Collection method: clinical testing. Allele origin: unknown. Affected: yes.

Literature cited by the submitters: PubMed 29368626 (cited by Ambry Genetics).